The following is an entry in ClinVar:

ClinVar aggregate classification (germline): Benign/Likely benign. Review status: criteria provided, multiple submitters, no conflicts (2 of 4 stars). 3 submissions from 3 submitters: Benign (1); Likely benign (2). Last evaluated 2025-05-13.

Conditions:
Hereditary cancer-predisposing syndrome. Also called: Hereditary Cancer Syndrome; Tumor predisposition; Neoplastic Syndromes, Hereditary; Hereditary neoplastic syndrome. Identifiers: Orphanet 140162, MedGen C0027672, MeSH D009386, MONDO:0015356.
Tuberous sclerosis 2 (TSC2). Identifiers: Orphanet 805, MedGen C1860707, MONDO:0013199, OMIM 613254.

gnomAD v4.1: 1 of 1,614,148 alleles (0.000062%); highest among the groups gnomAD compares: Non-Finnish European, 0.000085%; no homozygotes.

Submissions (3):

Myriad Genetics, Inc.
Classification: Benign for Tuberous sclerosis 2. Last evaluated: 2025-05-13. Review status: criteria provided, single submitter. Criteria: Myriad Autosomal Dominant, Autosomal Recessive and X-Linked Classification Criteria (2023). Collection method: clinical testing. Allele origin: unknown.
Comment: This variant is considered benign. This variant is a silent/synonymous amino acid change and it is not expected to impact splicing.

Labcorp Genetics (formerly Invitae), Labcorp
Classification: Likely benign for Tuberous sclerosis 2. Last evaluated: 2024-07-31. Review status: criteria provided, single submitter. Criteria: Invitae Variant Classification Sherloc (09022015). Collection method: clinical testing. Allele origin: germline.

Ambry Genetics
Classification: Likely benign for Hereditary cancer-predisposing syndrome. Last evaluated: 2023-03-02. Review status: criteria provided, single submitter. Criteria: Ambry Variant Classification Scheme 2023. Collection method: clinical testing. Allele origin: germline.

NM_000548.5(TSC2):c.1053G>A (p.Lys351=)

Gene: TSC2 (TSC complex subunit 2; plus strand). Cytogenetic location: 16p13.3.
Variant type: single nucleotide variant.
Coding change: c.1053G>A on transcript NM_000548.5 (MANE Select); coding-DNA position 1053, G replaced by A.
Protein change: p.Lys351=; no amino-acid change (lysine 351 retained).
Molecular consequence: synonymous variant.
Genome position (GRCh38, 1-based): chr16:2,060,747, G>A. VCF-style: chr16-2060747-G-A. GRCh37 (hg19) VCF-style: chr16-2110748-G-A.
Other names: c.1053G>A (NM_000548.3); c.1053G>A, p.Lys351= (NM_001077183.3, NM_001114382.3, NM_001363528.2 and 3 more transcripts); c.942G>A, p.Lys314= (NM_001318827.2); c.906G>A, p.Lys302= (NM_001318829.2); c.453G>A, p.Lys151= (NM_001318831.2); c.1086G>A, p.Lys362= (NM_001318832.2).
Identifiers: ClinVar variation 1622322 (VCV001622322.11), dbSNP rs2151137077, ClinGen allele CA492960919.